The following is an entry in ClinVar:

ClinVar aggregate classification (germline): Uncertain significance (1 of 4 stars; one submission).

Conditions:
Inborn genetic diseases. Identifiers: MedGen C0950123, MeSH D030342.

Allele frequency attached by ClinVar (database versions not stated): gnomAD exomes below 0.00001.
gnomAD v4.1: 2 of 1,614,214 alleles (0.00012%); highest among the groups gnomAD compares: Non-Finnish European, 0.00017%; no homozygotes.

Submission:

Ambry Genetics
Classification: Uncertain significance for Inborn genetic diseases. Last evaluated: 2020-11-19. Review status: criteria provided, single submitter. Criteria: Ambry Variant Classification Scheme 2023. Collection method: clinical testing. Allele origin: germline.
Comment: The c.779G>A (p.G260E) alteration is located in exon 5 (coding exon 5) of the VLDLR gene. This alteration results from a G to A substitution at nucleotide position 779, causing the glycine (G) at amino acid position 260 to be replaced by a glutamic acid (E). The p.G260E alteration is predicted to be deleterious by in silico analysis. Based on insufficient or conflicting evidence, the clinical significance of this alteration remains unclear.

NM_003383.5(VLDLR):c.779G>A (p.Gly260Glu)

Gene: VLDLR (very low density lipoprotein receptor; plus strand). Cytogenetic location: 9p24.2.
Variant type: single nucleotide variant.
Coding change: c.779G>A on transcript NM_003383.5 (MANE Select); coding-DNA position 779, G replaced by A.
Protein change: p.Gly260Glu; replaces glycine 260 with glutamic acid.
Molecular consequence: missense variant.
Genome position (GRCh38, 1-based): chr9:2,643,490, G>A. VCF-style: chr9-2643490-G-A. GRCh37 (hg19) VCF-style: chr9-2643490-G-A.
Other names: c.779G>A, p.Gly260Glu (NM_001018056.3); c.656G>A, p.Gly219Glu (NM_001322225.2, NM_001322226.2); short protein forms G260E, G219E.
Identifiers: ClinVar variation 2228000 (VCV002228000.2), dbSNP rs2488724623, ClinGen allele CA372791698.